The following is an entry in ClinVar:

NM_000057.4(BLM):c.2833G>T (p.Ala945Ser)

Gene: BLM (BLM RecQ like helicase; plus strand). Cytogenetic location: 15q26.1.
Variant type: single nucleotide variant.
Coding change: c.2833G>T on transcript NM_000057.4 (MANE Select); coding-DNA position 2833, G replaced by T.
Protein change: p.Ala945Ser; replaces alanine 945 with serine.
Molecular consequence: missense variant.
Genome position (GRCh38, 1-based): chr15:90,790,658, G>T. VCF-style: chr15-90790658-G-T. GRCh37 (hg19) VCF-style: chr15-91333888-G-T.
Other names: c.2833G>T, p.Ala945Ser (NM_001287246.2, NM_001287247.2); c.1708G>T, p.Ala570Ser (NM_001287248.2); short protein forms A570S, A945S.
Identifiers: ClinVar variation 1796617 (VCV001796617.7), dbSNP rs1896880211, ClinGen allele CA393846237.

ClinVar aggregate classification (germline): Uncertain significance. Review status: criteria provided, multiple submitters, no conflicts (2 of 4 stars). 2 submissions from 2 submitters: Uncertain significance (2). Last evaluated 2022-03-03.

Conditions:
Hereditary cancer-predisposing syndrome. Also called: Tumor predisposition; Hereditary Cancer Syndrome; Neoplastic Syndromes, Hereditary; Hereditary neoplastic syndrome. Identifiers: Orphanet 140162, MedGen C0027672, MeSH D009386, MONDO:0015356.
Bloom syndrome (BLM). Also called: Bloom-Torre-Machacek syndrome. Identifiers: Orphanet 125, MedGen C0005859, MONDO:0008876, OMIM 210900.

Submissions (2):

Labcorp Genetics (formerly Invitae), Labcorp
Classification: Uncertain significance for Bloom syndrome. Last evaluated: 2022-03-03. Review status: criteria provided, single submitter. Criteria: Invitae Variant Classification Sherloc (09022015). Collection method: clinical testing. Allele origin: germline.
Comment: In summary, the available evidence is currently insufficient to determine the role of this variant in disease. Therefore, it has been classified as a Variant of Uncertain Significance. Algorithms developed to predict the effect of missense changes on protein structure and function are either unavailable or do not agree on the potential impact of this missense change (SIFT: "Deleterious"; PolyPhen-2: "Probably Damaging"; Align-GVGD: "Class C0"). This variant has not been reported in the literature in individuals affected with BLM-related conditions. This variant is not present in population databases (gnomAD no frequency). This sequence change replaces alanine, which is neutral and non-polar, with serine, which is neutral and polar, at codon 945 of the BLM protein (p.Ala945Ser).

Ambry Genetics
Classification: Uncertain significance for Hereditary cancer-predisposing syndrome. Last evaluated: 2020-03-19. Review status: criteria provided, single submitter. Criteria: Ambry Variant Classification Scheme 2023. Collection method: clinical testing. Allele origin: germline.
Comment: The p.A945S variant (also known as c.2833G>T), located in coding exon 14 of the BLM gene, results from a G to T substitution at nucleotide position 2833. The alanine at codon 945 is replaced by serine, an amino acid with similar properties. This amino acid position is highly conserved in available vertebrate species. In addition, the in silico prediction for this alteration is inconclusive. Since supporting evidence is limited at this time, the clinical significance of this alteration remains unclear.